The following is an entry in ClinVar:

ClinVar aggregate classification (germline): Benign/Likely benign. Review status: criteria provided, multiple submitters, no conflicts (2 of 4 stars). 4 submissions from 4 submitters: Benign (3); Likely benign (1). Last evaluated 2026-01-28.

Conditions:
Autosomal recessive limb-girdle muscular dystrophy type 2A (LGMDR1). Also called: LEYDEN-MOEBIUS MUSCULAR DYSTROPHY; Calpainopathy; Muscular dystrophy, limb-girdle, type 2A, Amish; MUSCULAR DYSTROPHY, PELVOFEMORAL; Limb-girdle muscular dystrophy, type 2A. Identifiers: Orphanet 267, MedGen C1869123, MONDO:0009675, OMIM 253600. Disease mechanism: loss of function.

Allele frequency attached by ClinVar (database versions not stated): gnomAD 0.00004 and 0.00067; gnomAD exomes 0.00209 and 0.00089; ExAC 0.00239; 1000 Genomes Project 30x 0.00609; 1000 Genomes Project 0.00699; TOPMed 0.00013.
gnomAD v4.1: 1,439 of 1,614,104 alleles (0.089%); highest among the groups gnomAD compares: South Asian, 1.5%; 22 homozygotes.

Submissions (4):

Labcorp Genetics (formerly Invitae), Labcorp
Classification: Benign for Autosomal recessive limb-girdle muscular dystrophy type 2A. Last evaluated: 2026-01-28. Review status: criteria provided, single submitter. Criteria: Invitae Variant Classification Sherloc (09022015). Collection method: clinical testing. Allele origin: germline.

Blueprint Genetics
Classification: Likely benign. Last evaluated: 2024-10-23. Review status: criteria provided, single submitter. Criteria: ACMG Guidelines, 2015. Collection method: clinical testing. Allele origin: germline.

GeneDx
Classification: Benign. Last evaluated: 2016-11-04. Review status: criteria provided, single submitter. Criteria: GeneDx Variant Classification (06012015). Collection method: clinical testing. Allele origin: germline. Affected: yes.
Comment: This variant is considered likely benign or benign based on one or more of the following criteria: it is a conservative change, it occurs at a poorly conserved position in the protein, it is predicted to be benign by multiple in silico algorithms, and/or has population frequency not consistent with disease.

Breakthrough Genomics
Classification: Benign. Review status: criteria provided, single submitter. Criteria: ACMG Guidelines, 2015. Collection method: not provided. Allele origin: germline. Inheritance: Autosomal recessive inheritance. Affected: yes.

NM_000070.3(CAPN3):c.309+12C>T

Gene: CAPN3 (calpain 3; plus strand). Cytogenetic location: 15q15.1.
Variant type: single nucleotide variant.
Coding change: c.309+12C>T on transcript NM_000070.3 (MANE Select); 12 bases into the intron after coding-DNA position 309, C replaced by T.
Molecular consequence: intron variant.
Genome position (GRCh38, 1-based): chr15:42,360,126, C>T. VCF-style: chr15-42360126-C-T. GRCh37 (hg19) VCF-style: chr15-42652324-C-T.
Other names: c.309+12C>T (NM_024344.2, NM_173087.2).
Identifiers: ClinVar variation 389059 (VCV000389059.14), dbSNP rs200773265, ClinGen allele CA7510895.